The following is an entry in ClinVar:

ClinVar aggregate classification (germline): Uncertain significance (1 of 4 stars; one submission).

Conditions:
Hereditary cancer-predisposing syndrome. Also called: Hereditary Cancer Syndrome; Hereditary neoplastic syndrome; Tumor predisposition; Neoplastic Syndromes, Hereditary. Identifiers: Orphanet 140162, MedGen C0027672, MeSH D009386, MONDO:0015356.
Cardiovascular phenotype. Identifiers: MedGen CN230736.

gnomAD v4.1: 1 of 1,551,500 alleles (0.000064%); highest among the groups gnomAD compares: African/African-American, 0.0014%; no homozygotes.

Submission:

Ambry Genetics
Classification: Uncertain significance for Cardiovascular phenotype; Hereditary cancer-predisposing syndrome. Last evaluated: 2024-09-27. Review status: criteria provided, single submitter. Criteria: Ambry Variant Classification Scheme 2023. Collection method: clinical testing. Allele origin: germline.
Comment: The p.W321C variant (also known as c.963G>C), located in coding exon 9 of the LZTR1 gene, results from a G to C substitution at nucleotide position 963. The tryptophan at codon 321 is replaced by cysteine, an amino acid with highly dissimilar properties. This amino acid position is conserved. In addition, this alteration is predicted to be deleterious by in silico analysis. Based on the available evidence, the clinical significance of this variant remains unclear.

NM_006767.4(LZTR1):c.963G>C (p.Trp321Cys)

Gene: LZTR1 (leucine zipper like post translational regulator 1; plus strand). Cytogenetic location: 22q11.21.
Variant type: single nucleotide variant.
Coding change: c.963G>C on transcript NM_006767.4 (MANE Select); coding-DNA position 963, G replaced by C.
Protein change: p.Trp321Cys; replaces tryptophan 321 with cysteine.
Molecular consequence: missense variant.
Genome position (GRCh38, 1-based): chr22:20,991,799, G>C. VCF-style: chr22-20991799-G-C. GRCh37 (hg19) VCF-style: chr22-21346088-G-C.
Other names: short protein forms W321C.
Identifiers: ClinVar variation 3541634 (VCV003541634.1).